The following is an entry in ClinVar:

NM_000030.3(AGXT):c.665dup (p.Ser223fs)

Gene: AGXT (alanine--glyoxylate aminotransferase; plus strand). Cytogenetic location: 2q37.3.
Variant type: Duplication.
Coding change: c.665dup on transcript NM_000030.3 (MANE Select); coding-DNA position 665, one base duplicated (T; older notation c.665dupT).
Protein change: p.Ser223fs; shifts the reading frame from serine 223.
Molecular consequence: frameshift variant.
Genome position (GRCh38, 1-based): chr2:240,874,047, T duplicated; the last of 2 consecutive T bases (chr2:240,874,046-240,874,047); duplicating either gives the same sequence. VCF-style (leftmost placement, unchanged base first): chr2-240874045-C-CT. GRCh37 (hg19) VCF-style: chr2-241813462-C-CT.
Other names: short protein forms S223fs.
Identifiers: ClinVar variation 2119770 (VCV002119770.4), dbSNP rs2528753326, ClinGen allele CA2580068030.

ClinVar aggregate classification (germline): Pathogenic (1 of 4 stars; one submission).

Submission:

Labcorp Genetics (formerly Invitae), Labcorp
Classification: Pathogenic. Last evaluated: 2022-03-31. Review status: criteria provided, single submitter. Criteria: Invitae Variant Classification Sherloc (09022015). Collection method: clinical testing. Allele origin: germline.
Comment: This variant has not been reported in the literature in individuals affected with AGXT-related conditions. This variant is not present in population databases (gnomAD no frequency). This sequence change creates a premature translational stop signal (p.Ser223Glnfs*2) in the AGXT gene. It is expected to result in an absent or disrupted protein product. Loss-of-function variants in AGXT are known to be pathogenic (PMID: 19479957). For these reasons, this variant has been classified as Pathogenic.

Literature cited by the submitters: PubMed 19479957.